The following is an entry in ClinVar:

ClinVar aggregate classification (germline): Uncertain significance. Review status: criteria provided, multiple submitters, no conflicts (2 of 4 stars). 3 submissions from 3 submitters: Uncertain significance (2). 1 of the submissions does not count toward it. Last evaluated 2025-07-24.

Conditions:
Fanconi anemia complementation group C (FANCC). Also called: FANCONI PANCYTOPENIA, TYPE 3; FACC; FANCC-Related Fanconi Anemia; Fanconi anemia, group C. Identifiers: Orphanet 84, MedGen C3468041, MONDO:0009213, OMIM 227645.
Hereditary cancer-predisposing syndrome. Also called: Tumor predisposition; Hereditary neoplastic syndrome; Neoplastic Syndromes, Hereditary; Hereditary Cancer Syndrome. Identifiers: Orphanet 140162, MedGen C0027672, MeSH D009386, MONDO:0015356.

Allele frequency attached by ClinVar (database versions not stated): gnomAD exomes below 0.00001.
gnomAD v4.1: 1 of 1,614,200 alleles (0.000062%); highest among the groups gnomAD compares: South Asian, 0.0011%; no homozygotes.

Submissions (3):

GeneDx
Classification: Uncertain significance. Last evaluated: 2025-07-24. Review status: criteria provided, single submitter. Criteria: GeneDx Variant Classification Process June 2021. Collection method: clinical testing. Allele origin: germline. Affected: yes.
Comment: Not observed at significant frequency in large population cohorts (gnomAD); In silico analysis suggests that this missense variant does not alter protein structure/function; Has not been previously published as pathogenic or benign to our knowledge

Ambry Genetics
Classification: Uncertain significance for Hereditary cancer-predisposing syndrome. Last evaluated: 2025-05-15. Review status: criteria provided, single submitter. Criteria: Ambry Variant Classification Scheme 2023. Collection method: clinical testing. Allele origin: germline.
Comment: The p.Q473R variant (also known as c.1418A>G), located in coding exon 13 of the FANCC gene, results from an A to G substitution at nucleotide position 1418. The glutamine at codon 473 is replaced by arginine, an amino acid with highly similar properties. This amino acid position is poorly conserved in available vertebrate species. In addition, this alteration is predicted to be tolerated by in silico analysis. Since supporting evidence is limited at this time, the clinical significance of this alteration remains unclear.

Natera, Inc.
Classification: Uncertain significance for Fanconi anemia, group C. Last evaluated: 2020-09-16. Review status: no assertion criteria provided. Collection method: clinical testing. Allele origin: germline. Not counted in ClinVar's aggregate classification.

NM_000136.3(FANCC):c.1418A>G (p.Gln473Arg)

Genes: AOPEP (aminopeptidase O (putative); plus strand), FANCC (FA complementation group C; minus strand). Cytogenetic location: 9q22.32.
Variant type: single nucleotide variant.
Coding change: c.1418A>G on transcript NM_000136.3 (MANE Select); coding-DNA position 1418, A replaced by G.
Protein change: p.Gln473Arg; replaces glutamine 473 with arginine.
Molecular consequence: missense variant.
Genome position (GRCh38, 1-based): chr9:95,107,181, T>C on the plus strand (A>G on the coding strand, the complement: FANCC is on the minus strand). VCF-style: chr9-95107181-T-C. GRCh37 (hg19) VCF-style: chr9-97869463-T-C.
Other names: c.1418A>G, p.Gln473Arg (NM_001243743.2); short protein forms Q473R.
Identifiers: ClinVar variation 819147 (VCV000819147.7), dbSNP rs1588029264, ClinGen allele CA374106032.